The following is an entry in ClinVar:

NM_198576.4(AGRN):c.5942G>T (p.Gly1981Val)

Gene: AGRN (agrin; plus strand). Cytogenetic location: 1p36.33.
Variant type: single nucleotide variant.
Coding change: c.5942G>T on transcript NM_198576.4 (MANE Select); coding-DNA position 5942, G replaced by T.
Protein change: p.Gly1981Val; replaces glycine 1981 with valine.
Molecular consequence: missense variant.
Genome position (GRCh38, 1-based): chr1:1,054,513, G>T. VCF-style: chr1-1054513-G-T. GRCh37 (hg19) VCF-style: chr1-989893-G-T.
Other names: c.6011G>T, p.Gly2004Val (NM_001305275.2); c.5639G>T, p.Gly1880Val (NM_001364727.2); short protein forms G1880V, G2004V, G1981V.
Identifiers: ClinVar variation 1351609 (VCV001351609.8), dbSNP rs2100702471, ClinGen allele CA337785737.

ClinVar aggregate classification (germline): Uncertain significance (1 of 4 stars; one submission).

Conditions:
Congenital myasthenic syndrome 8. Also called: MYASTHENIC SYNDROME, CONGENITAL, DUE TO AGRIN DEFICIENCY; Myasthenic syndrome, congenital, 8, with pre- and postsynaptic defects. Identifiers: Orphanet 590, MedGen C3808739, MONDO:0014052, OMIM 615120.

Submission:

Labcorp Genetics (formerly Invitae), Labcorp
Classification: Uncertain significance for Congenital myasthenic syndrome 8. Last evaluated: 2021-05-11. Review status: criteria provided, single submitter. Criteria: Invitae Variant Classification Sherloc (09022015). Collection method: clinical testing. Allele origin: germline.
Comment: This sequence change replaces glycine with valine at codon 1981 of the AGRN protein (p.Gly1981Val). The glycine residue is highly conserved and there is a moderate physicochemical difference between glycine and valine. In summary, the available evidence is currently insufficient to determine the role of this variant in disease. Therefore, it has been classified as a Variant of Uncertain Significance. Algorithms developed to predict the effect of missense changes on protein structure and function are either unavailable or do not agree on the potential impact of this missense change (SIFT: "Deleterious"; PolyPhen-2: "Probably Damaging"; Align-GVGD: "Class C0"). This variant has not been reported in the literature in individuals with AGRN-related conditions. This variant is not present in population databases (ExAC no frequency).